The following is an entry in ClinVar:

ClinVar aggregate classification (germline): Uncertain significance. Review status: criteria provided, multiple submitters, no conflicts (2 of 4 stars). 2 submissions from 2 submitters: Uncertain significance (2). Last evaluated 2026-08-01.

gnomAD v4.1: 22 of 1,602,602 alleles (0.0014%); highest among the groups gnomAD compares: Middle Eastern, 0.034%; no homozygotes.

Submissions (2):

CeGaT Center for Human Genetics Tuebingen
Classification: Uncertain significance. Last evaluated: 2026-08-01. Review status: criteria provided, single submitter. Criteria: CeGaT Center For Human Genetics Tuebingen Variant Classification Criteria Version 2. Collection method: clinical testing. Allele origin: germline. Affected: yes. Observed: 1 variant allele.
Comment: FCSK: PM2

Ambry Genetics
Classification: Uncertain significance. Last evaluated: 2025-08-07. Review status: criteria provided, single submitter. Criteria: Ambry Variant Classification Scheme 2023. Collection method: clinical testing. Allele origin: germline.

NM_145059.3(FCSK):c.2578C>T (p.Arg860Trp)

Gene: FCSK (fucose kinase; plus strand). Cytogenetic location: 16q22.1.
Variant type: single nucleotide variant.
Coding change: c.2578C>T on transcript NM_145059.3 (MANE Select); coding-DNA position 2578, C replaced by T.
Protein change: p.Arg860Trp; replaces arginine 860 with tryptophan.
Molecular consequence: missense variant.
Genome position (GRCh38, 1-based): chr16:70,475,704, C>T. VCF-style: chr16-70475704-C-T. GRCh37 (hg19) VCF-style: chr16-70509607-C-T.
Other names: short protein forms R860W.
Identifiers: ClinVar variation 4256635 (VCV004256635.2).